The following is an entry in ClinVar:

ClinVar aggregate classification (germline): Uncertain significance. Review status: criteria provided, multiple submitters, no conflicts (2 of 4 stars). 2 submissions from 2 submitters: Uncertain significance (2). Last evaluated 2026-01-28.

Conditions:
MYO18B-related disorder. Also called: MYO18B-related condition.

Allele frequency attached by ClinVar (database versions not stated): ExAC 0.00006; TOPMed 0.00021; gnomAD 0.00022 and 0.00023; ESP Exome Variant Server 0.00032; 1000 Genomes Project 30x 0.00047; 1000 Genomes Project 0.00060; gnomAD exomes 0.00002 and 0.00004.
gnomAD v4.1: 59 of 1,604,898 alleles (0.0037%); highest among the groups gnomAD compares: African/African-American, 0.076%; no homozygotes.

Submissions (2):

PreventionGenetics, part of Exact Sciences
Classification: Uncertain significance for MYO18B-related condition. Last evaluated: 2026-01-28. Review status: criteria provided, single submitter. Criteria: ACMG Guidelines, 2015. Collection method: clinical testing. Allele origin: germline.
Comment: The MYO18B c.2200G>T variant is predicted to result in the amino acid substitution p.Ala734Ser. To our knowledge, this variant has not been reported in the literature. This variant is reported in 0.075% of alleles in individuals of African descent in gnomAD. Although we suspect that this variant may be benign, at this time, the clinical significance of this variant is uncertain due to the absence of conclusive functional and genetic evidence.

Labcorp Genetics (formerly Invitae), Labcorp
Classification: Uncertain significance. Last evaluated: 2024-01-01. Review status: criteria provided, single submitter. Criteria: Invitae Variant Classification Sherloc (09022015). Collection method: clinical testing. Allele origin: germline.
Comment: This sequence change replaces alanine, which is neutral and non-polar, with serine, which is neutral and polar, at codon 734 of the MYO18B protein (p.Ala734Ser). This variant is present in population databases (rs114966817, gnomAD 0.08%). This variant has not been reported in the literature in individuals affected with MYO18B-related conditions. ClinVar contains an entry for this variant (Variation ID: 1389243). An algorithm developed to predict the effect of missense changes on protein structure and function (PolyPhen-2) suggests that this variant is likely to be disruptive. In summary, the available evidence is currently insufficient to determine the role of this variant in disease. Therefore, it has been classified as a Variant of Uncertain Significance.

NM_032608.7(MYO18B):c.2200G>T (p.Ala734Ser)

Gene: MYO18B (myosin XVIIIB; plus strand). Cytogenetic location: 22q12.1.
Variant type: single nucleotide variant.
Coding change: c.2200G>T on transcript NM_032608.7 (MANE Select); coding-DNA position 2200, G replaced by T.
Protein change: p.Ala734Ser; replaces alanine 734 with serine.
Molecular consequence: missense variant.
Genome position (GRCh38, 1-based): chr22:25,780,187, G>T. VCF-style: chr22-25780187-G-T. GRCh37 (hg19) VCF-style: chr22-26176154-G-T.
Other names: c.2200G>T (NM_032608.6); c.2200G>T, p.Ala734Ser (NM_001318245.2); short protein forms A734S.
Identifiers: ClinVar variation 1389243 (VCV001389243.5), dbSNP rs114966817, ClinGen allele CA10160078.
Genomic context (GRCh38, chr22:25,780,187, plus strand): 5'-GCCACCCGGTTCTCCATGGTGATGTCGCTGGACTTCAACGCTACAGGCCGCATCACAGCT[G>T]CTCAGCTCCAGGTGAGGCCTCTCGGGGGATGTGCAAGGGGGCCCTTGGGGCTGCTGTGTC-3'
Protein context (NP_115997.5, residues 724-744): DFNATGRITA[Ala734Ser]QLQTMLLEKS